The following is an entry in ClinVar:

NM_000293.3(PHKB):c.14C>T (p.Ala5Val)

Genes: PHKB (phosphorylase kinase regulatory subunit beta; plus strand), LOC130058947 (ATAC-STARR-seq lymphoblastoid silent region 7451; plus strand). Cytogenetic location: 16q12.1.
Variant type: single nucleotide variant.
Coding change: c.14C>T on transcript NM_000293.3 (MANE Select); coding-DNA position 14, C replaced by T.
Protein change: p.Ala5Val; replaces alanine 5 with valine.
Molecular consequence: missense variant. On other transcripts: 5 prime UTR variant (1).
Genome position (GRCh38, 1-based): chr16:47,461,364, C>T. VCF-style: chr16-47461364-C-T. GRCh37 (hg19) VCF-style: chr16-47495275-C-T.
Other names: c.-120C>T (NM_001031835.3); c.14C>T, p.Ala5Val (NM_001363837.1); short protein forms A5V.
Identifiers: ClinVar variation 1356277 (VCV001356277.3), dbSNP rs778015344, ClinGen allele CA8040304.

ClinVar aggregate classification (germline): Uncertain significance (1 of 4 stars; one submission).

Conditions:
Glycogen storage disease IXb (GSD9B). Also called: GLYCOGENOSIS OF LIVER AND MUSCLE, AUTOSOMAL RECESSIVE; GSD IXb; PHOSPHORYLASE KINASE DEFICIENCY OF LIVER AND MUSCLE, AUTOSOMAL RECESSIVE. Identifiers: Orphanet 79240, MedGen C0543514, MONDO:0009868, OMIM 261750.

Allele frequency attached by ClinVar (database versions not stated): gnomAD exomes below 0.00001 and 0.00001; ExAC 0.00001.
gnomAD v4.1: 6 of 1,610,920 alleles (0.00037%); highest among the groups gnomAD compares: Admixed American, 0.0017%; no homozygotes.

Submission:

Labcorp Genetics (formerly Invitae), Labcorp
Classification: Uncertain significance for Glycogen storage disease IXb. Last evaluated: 2021-11-22. Review status: criteria provided, single submitter. Criteria: Invitae Variant Classification Sherloc (09022015). Collection method: clinical testing. Allele origin: germline.
Comment: This sequence change replaces alanine, which is neutral and non-polar, with valine, which is neutral and non-polar, at codon 5 of the PHKB protein (p.Ala5Val). This variant is present in population databases (rs778015344, gnomAD 0.006%). This variant has not been reported in the literature in individuals affected with PHKB-related conditions. Algorithms developed to predict the effect of missense changes on protein structure and function (SIFT, PolyPhen-2, Align-GVGD) all suggest that this variant is likely to be tolerated. Algorithms developed to predict the effect of sequence changes on RNA splicing suggest that this variant may create or strengthen a splice site. In summary, the available evidence is currently insufficient to determine the role of this variant in disease. Therefore, it has been classified as a Variant of Uncertain Significance.